The following is an entry in ClinVar:

ClinVar aggregate classification (germline): Benign/Likely benign. Review status: criteria provided, multiple submitters, no conflicts (2 of 4 stars). 5 submissions from 5 submitters: Benign (3); Likely benign (2). Last evaluated 2025-12-15.

Conditions:
Autosomal dominant nocturnal frontal lobe epilepsy 3. Also called: CHRNB2-Related Nocturnal Frontal Lobe Epilepsy, Autosomal Dominant. Identifiers: Orphanet 98784, MedGen C1854335, MONDO:0011545, OMIM 605375.
Familial sleep-related hypermotor epilepsy. Also called: Autosomal Dominant Sleep-Related Hypermotor (Hyperkinetic) Epilepsy. Identifiers: Orphanet 98784, MedGen C3696898, MONDO:0000030.
Inborn genetic diseases. Identifiers: MedGen C0950123, MeSH D030342.

Allele frequency attached by ClinVar (database versions not stated): gnomAD 0.00001 and 0.00021; TOPMed 0.00002; gnomAD exomes 0.00025 and 0.00064; ExAC 0.00084; 1000 Genomes Project 30x 0.00219; 1000 Genomes Project 0.00240.
gnomAD v4.1: 395 of 1,614,246 alleles (0.024%); highest among the groups gnomAD compares: South Asian, 0.41%; 4 homozygotes.

Submissions (5):

Labcorp Genetics (formerly Invitae), Labcorp
Classification: Benign. Last evaluated: 2025-12-15. Review status: criteria provided, single submitter. Criteria: Invitae Variant Classification Sherloc (09022015). Collection method: clinical testing. Allele origin: germline.

ARUP Laboratories, Molecular Genetics and Genomics, ARUP Laboratories
Classification: Benign for Autosomal dominant nocturnal frontal lobe epilepsy 3. Last evaluated: 2024-02-15. Review status: criteria provided, single submitter. Criteria: ARUP Molecular Germline Variant Investigation Process 2024. Collection method: clinical testing. Allele origin: germline.

Fulgent Genetics
Classification: Likely benign for Autosomal dominant nocturnal frontal lobe epilepsy 3. Last evaluated: 2021-08-12. Review status: criteria provided, single submitter. Criteria: ACMG Guidelines, 2015. Collection method: clinical testing. Allele origin: unknown.

GeneDx
Classification: Benign. Last evaluated: 2017-06-19. Review status: criteria provided, single submitter. Criteria: GeneDx Variant Classification (06012015). Collection method: clinical testing. Allele origin: germline. Affected: yes.
Comment: This variant is considered likely benign or benign based on one or more of the following criteria: it is a conservative change, it occurs at a poorly conserved position in the protein, it is predicted to be benign by multiple in silico algorithms, and/or has population frequency not consistent with disease.

Ambry Genetics
Classification: Likely benign for Inborn genetic diseases. Last evaluated: 2016-02-22. Review status: criteria provided, single submitter. Criteria: Ambry Variant Classification Scheme 2023. Collection method: clinical testing. Allele origin: germline.

NM_000748.3(CHRNB2):c.772C>T (p.Leu258=)

Gene: CHRNB2 (cholinergic receptor nicotinic beta 2 subunit; plus strand). Cytogenetic location: 1q21.3.
Variant type: single nucleotide variant.
Coding change: c.772C>T on transcript NM_000748.3 (MANE Select); coding-DNA position 772, C replaced by T.
Protein change: p.Leu258=; no amino-acid change (leucine 258 retained).
Molecular consequence: synonymous variant.
Genome position (GRCh38, 1-based): chr1:154,571,595, C>T. VCF-style: chr1-154571595-C-T. GRCh37 (hg19) VCF-style: chr1-154544071-C-T.
Identifiers: ClinVar variation 477015 (VCV000477015.18), dbSNP rs201514209, ClinGen allele CA1130780.